The following is an entry in ClinVar:

ClinVar aggregate classification (germline): Uncertain significance. Review status: criteria provided, multiple submitters, no conflicts (2 of 4 stars). 7 submissions from 7 submitters: Uncertain significance (4). 3 of the submissions do not count toward it. Last evaluated 2025-03-26.

Conditions:
FRAS1-related disorder. Also called: FRAS1-related condition.
Inborn genetic diseases. Identifiers: MedGen C0950123, MeSH D030342.

Allele frequency attached by ClinVar (database versions not stated): gnomAD exomes 0.00035 and 0.00053; ExAC 0.00052; ESP Exome Variant Server 0.00016; TOPMed 0.00023; gnomAD 0.00032 and 0.00034.
gnomAD v4.1: 815 of 1,607,822 alleles (0.051%); highest among the groups gnomAD compares: Non-Finnish European, 0.063%; 2 homozygotes.

Submissions (7):

GeneDx
Classification: Uncertain significance. Last evaluated: 2025-03-26. Review status: criteria provided, single submitter. Criteria: GeneDx Variant Classification Process June 2021. Collection method: clinical testing. Allele origin: germline. Affected: yes.
Comment: In silico analysis supports that this missense variant has a deleterious effect on protein structure/function; Has not been previously published as pathogenic or benign to our knowledge

Blueprint Genetics
Classification: Uncertain significance. Last evaluated: 2024-04-02. Review status: criteria provided, single submitter. Criteria: ACMG Guidelines, 2015. Collection method: clinical testing. Allele origin: germline.

Ambry Genetics
Classification: Uncertain significance for Inborn genetic diseases. Last evaluated: 2022-06-24. Review status: criteria provided, single submitter. Criteria: Ambry Variant Classification Scheme 2023. Collection method: clinical testing. Allele origin: germline.

Labcorp Genetics (formerly Invitae), Labcorp
Classification: Uncertain significance. Last evaluated: 2022-05-09. Review status: criteria provided, single submitter. Criteria: Invitae Variant Classification Sherloc (09022015). Collection method: clinical testing. Allele origin: germline.
Comment: This sequence change replaces threonine, which is neutral and polar, with isoleucine, which is neutral and non-polar, at codon 1445 of the FRAS1 protein (p.Thr1445Ile). This variant is present in population databases (rs200123789, gnomAD 0.07%). This variant has not been reported in the literature in individuals affected with FRAS1-related conditions. ClinVar contains an entry for this variant (Variation ID: 1299273). Algorithms developed to predict the effect of missense changes on protein structure and function are either unavailable or do not agree on the potential impact of this missense change (SIFT: "Deleterious"; PolyPhen-2: "Benign"; Align-GVGD: "Class C0"). In summary, the available evidence is currently insufficient to determine the role of this variant in disease. Therefore, it has been classified as a Variant of Uncertain Significance.

PreventionGenetics, part of Exact Sciences
Classification: Uncertain significance for FRAS1-related condition. Last evaluated: 2024-02-14. Review status: no assertion criteria provided. Collection method: clinical testing. Allele origin: germline. Not counted in ClinVar's aggregate classification.
Comment: The FRAS1 c.4334C>T variant is predicted to result in the amino acid substitution p.Thr1445Ile. To our knowledge, this variant has not been reported in the literature. This variant is reported in 0.072% of alleles in individuals of European (Finnish) descent in gnomAD, which is likely too common for an undocumented disease-causing variant. Although we suspect that this variant may be benign, at this time, the clinical significance of this variant is uncertain due to the absence of conclusive functional and genetic evidence.

Clinical Genetics DNA and cytogenetics Diagnostics Lab, Erasmus MC, Erasmus Medical Center
Classification: Likely benign. Review status: no assertion criteria provided. Collection method: clinical testing. Allele origin: germline. Affected: yes. Study: VKGL Data-share Consensus. Not counted in ClinVar's aggregate classification.

Diagnostic Laboratory, Department of Genetics, University Medical Center Groningen
Classification: Likely benign. Review status: no assertion criteria provided. Collection method: clinical testing. Allele origin: germline. Affected: yes. Study: VKGL Data-share Consensus. Not counted in ClinVar's aggregate classification.

NM_025074.7(FRAS1):c.4334C>T (p.Thr1445Ile)

Gene: FRAS1 (Fraser extracellular matrix complex subunit 1; plus strand). Cytogenetic location: 4q21.21.
Variant type: single nucleotide variant.
Coding change: c.4334C>T on transcript NM_025074.7 (MANE Select); coding-DNA position 4334, C replaced by T.
Protein change: p.Thr1445Ile; replaces threonine 1445 with isoleucine.
Molecular consequence: missense variant.
Genome position (GRCh38, 1-based): chr4:78,412,994, C>T. VCF-style: chr4-78412994-C-T. GRCh37 (hg19) VCF-style: chr4-79334148-C-T.
Other names: c.4334C>T, p.Thr1445Ile (NM_001166133.2); c.4334C>T (NM_025074.6); short protein forms T1445I.
Identifiers: ClinVar variation 1299273 (VCV001299273.8), dbSNP rs200123789, ClinGen allele CA2977164.